The following is an entry in ClinVar:

ClinVar aggregate classification (germline): Pathogenic/Likely pathogenic. Review status: criteria provided, multiple submitters, no conflicts (2 of 4 stars). 3 submissions from 3 submitters: Pathogenic (1); Likely pathogenic (1). 1 of the submissions does not count toward it. Last evaluated 2021-04-13.

Conditions:
Immunodeficiency 72 with autoinflammation. Also called: IMMUNODEFICIENCY 72 WITH AUTOINFLAMMATION AND LYMPHOPROLIFERATION. Identifiers: MedGen C5436540, MONDO:0033551, OMIM 618982.

Allele frequency attached by ClinVar (database versions not stated): gnomAD exomes 0.00001; ExAC 0.00002; TOPMed 0.00002; gnomAD 0.00003.
gnomAD v4.1: 13 of 1,613,810 alleles (0.00081%); highest among the groups gnomAD compares: African/African-American, 0.0027%; no homozygotes.

Submissions (3):

SIB Swiss Institute of Bioinformatics
Classification: Likely pathogenic for Immunodeficiency 72 with autoinflammation. Last evaluated: 2021-04-13. Review status: criteria provided, single submitter. Criteria: ACMG Guidelines, 2015. Collection method: curation. Allele origin: unknown.
Comment: This variant is interpreted as likely pathogenic for Immunodeficiency 72 with autoinflammation, autosomal recessive. The following ACMG Tag(s) were applied: Absent from controls (or at extremely low frequency if recessive) in Exome Sequencing Project, 1000 Genomes Project, or Exome Aggregation Consortium (PM2); Well-established functional studies show a deleterious effect (PS3); For recessive disorders, detected in trans with a likely pathogenic/pathogenic variant (PM3 downgraded to supporting).

Genetics and Genomic Medicine Centre, NeuroGen Healthcare, NeuroGen Healthcare
Classification: Pathogenic for Immunodeficiency 72 with autoinflammation. Last evaluated: 2020-07-11. Review status: criteria provided, single submitter. Criteria: Submitter's publication. Collection method: clinical testing. Allele origin: unknown. Affected: no.

OMIM
Classification: Pathogenic for IMMUNODEFICIENCY 72 WITH AUTOINFLAMMATION AND LYMPHOPROLIFERATION. Last evaluated: 2023-03-15. Review status: no assertion criteria provided. Collection method: literature only. Allele origin: germline. Not counted in ClinVar's aggregate classification.

Literature cited by the submitters: PubMed 32647003 (cited by SIB Swiss Institute of Bioinformatics and OMIM).

NM_005337.5(NCKAP1L):c.1111A>G (p.Met371Val)

Gene: NCKAP1L (NCK associated protein 1 like; plus strand). Cytogenetic location: 12q13.2.
Variant type: single nucleotide variant.
Coding change: c.1111A>G on transcript NM_005337.5 (MANE Select); coding-DNA position 1111, A replaced by G.
Protein change: p.Met371Val; replaces methionine 371 with valine.
Molecular consequence: missense variant.
Genome position (GRCh38, 1-based): chr12:54,517,548, A>G. VCF-style: chr12-54517548-A-G. GRCh37 (hg19) VCF-style: chr12-54911332-A-G.
Other names: c.961A>G, p.Met321Val (NM_001184976.2); short protein forms M371V, M321V.
Identifiers: ClinVar variation 976848 (VCV000976848.5), dbSNP rs750982844, ClinGen allele CA6609060.